The following is an entry in ClinVar:

ClinVar aggregate classification (germline): Conflicting classifications of pathogenicity. Review status: criteria provided, conflicting classifications (1 of 4 stars). 4 submissions from 4 submitters: Uncertain significance (1); Likely benign (2). 1 of the submissions does not count toward it. Last evaluated 2025-12-18.

Conditions:
COG8-related disorder. Also called: COG8-related condition.
Inborn genetic diseases. Identifiers: MedGen C0950123, MeSH D030342.
COG8-congenital disorder of glycosylation. Also called: CDG IIh; COG8-CDG. Identifiers: Orphanet 95428, MedGen C1970021, MONDO:0012635, OMIM 611182.

Allele frequency attached by ClinVar (database versions not stated): gnomAD exomes 0.00007 and 0.00024; ExAC 0.00025; ESP Exome Variant Server 0.00046; gnomAD 0.00096 and 0.00101; 1000 Genomes Project 0.00100; 1000 Genomes Project 30x 0.00109; TOPMed 0.00112.
gnomAD v4.1: 262 of 1,613,996 alleles (0.016%); highest among the groups gnomAD compares: African/African-American, 0.26%; no homozygotes.

Submissions (4):

Labcorp Genetics (formerly Invitae), Labcorp
Classification: Likely benign for COG8-congenital disorder of glycosylation. Last evaluated: 2025-12-18. Review status: criteria provided, single submitter. Criteria: Invitae Variant Classification Sherloc (09022015). Collection method: clinical testing. Allele origin: germline.

Ambry Genetics
Classification: Likely benign for Inborn genetic diseases. Last evaluated: 2025-01-24. Review status: criteria provided, single submitter. Criteria: Ambry Variant Classification Scheme 2023. Collection method: clinical testing. Allele origin: germline.

GeneDx
Classification: Uncertain significance. Last evaluated: 2022-05-26. Review status: criteria provided, single submitter. Criteria: GeneDx Variant Classification Process June 2021. Collection method: clinical testing. Allele origin: germline. Affected: yes.
Comment: In silico analysis supports that this missense variant does not alter protein structure/function; Has not been previously published as pathogenic or benign to our knowledge

PreventionGenetics, part of Exact Sciences
Classification: Likely benign for COG8-related condition. Last evaluated: 2022-02-18. Review status: no assertion criteria provided. Collection method: clinical testing. Allele origin: germline. Not counted in ClinVar's aggregate classification.
Comment: This variant is classified as likely benign based on ACMG/AMP sequence variant interpretation guidelines (Richards et al. 2015 PMID: 25741868, with internal and published modifications).

NM_032382.5(COG8):c.386T>C (p.Val129Ala)

Gene: COG8 (component of oligomeric golgi complex 8; minus strand). Cytogenetic location: 16q22.1.
Variant type: single nucleotide variant.
Coding change: c.386T>C on transcript NM_032382.5 (MANE Select); coding-DNA position 386, T replaced by C.
Protein change: p.Val129Ala; replaces valine 129 with alanine.
Molecular consequence: missense variant.
Genome position (GRCh38, 1-based): chr16:69,336,704, A>G on the plus strand (T>C on the coding strand, the complement: COG8 is on the minus strand). VCF-style: chr16-69336704-A-G. GRCh37 (hg19) VCF-style: chr16-69370607-A-G.
Other names: c.386T>C, p.Val129Ala (NM_001374871.1); short protein forms V129A.
Identifiers: ClinVar variation 703036 (VCV000703036.13), dbSNP rs146248068, ClinGen allele CA8133976.